The following is an entry in ClinVar:

ClinVar aggregate classification (germline): Uncertain significance. Review status: criteria provided, multiple submitters, no conflicts (2 of 4 stars). 3 submissions from 3 submitters: Uncertain significance (3). Last evaluated 2024-07-03.

Conditions:
Familial hemophagocytic lymphohistiocytosis 5. Also called: STXBP2-Related Familial Hemophagocytic Lymphohistiocytosis (STXBP2-fHLH). Identifiers: Orphanet 540, MedGen C2751293, MONDO:0013135, OMIM 613101.

Allele frequency attached by ClinVar (database versions not stated): gnomAD exomes below 0.00001 and 0.00003; gnomAD 0.00001; ExAC 0.00005.
gnomAD v4.1: 7 of 1,613,338 alleles (0.00043%); highest among the groups gnomAD compares: East Asian, 0.013%; no homozygotes.

Submissions (3):

Labcorp Genetics (formerly Invitae), Labcorp
Classification: Uncertain significance for Familial hemophagocytic lymphohistiocytosis 5. Last evaluated: 2024-07-03. Review status: criteria provided, single submitter. Criteria: Invitae Variant Classification Sherloc (09022015). Collection method: clinical testing. Allele origin: germline.
Comment: This sequence change replaces asparagine, which is neutral and polar, with aspartic acid, which is acidic and polar, at codon 62 of the STXBP2 protein (p.Asn62Asp). This variant is present in population databases (rs368283130, gnomAD 0.04%). This missense change has been observed in individual(s) with hemophagocytic lymphohistiocytosis (PMID: 26451869, 27781387, 29665027, 30290665, 32375849). ClinVar contains an entry for this variant (Variation ID: 1310482). Advanced modeling of protein sequence and biophysical properties (such as structural, functional, and spatial information, amino acid conservation, physicochemical variation, residue mobility, and thermodynamic stability) performed at Invitae indicates that this missense variant is not expected to disrupt STXBP2 protein function with a negative predictive value of 80%. In summary, the available evidence is currently insufficient to determine the role of this variant in disease. Therefore, it has been classified as a Variant of Uncertain Significance.

Women's Health and Genetics/Laboratory Corporation of America, LabCorp
Classification: Uncertain significance. Last evaluated: 2024-04-19. Review status: criteria provided, single submitter. Criteria: LabCorp Variant Classification Summary - May 2015. Collection method: clinical testing. Allele origin: germline.
Comment: Variant summary: STXBP2 c.184A>G (p.Asn62Asp) results in a conservative amino acid change in the encoded protein sequence. Four of five in-silico tools predict a benign effect of the variant on protein function. The variant allele was found at a frequency of 2.8e-05 in 251208 control chromosomes (gnomAD). The available data on variant occurrences in the general population are insufficient to allow any conclusion about variant significance. c.184A>G has been reported in the literature in individuals affected with Primary Immunodeficiency Disease/Familial Hemophagocytic Lymphohistiocytosis without strong evidence of causality (Xu_2017, Seo_2016, Zhang_2020, Chi_2018). These data do not allow any conclusion about variant significance. To our knowledge, no experimental evidence demonstrating an impact on protein function has been reported. The following publications have been ascertained in the context of this evaluation (PMID: 30290665, 32375849, 27781387, 26451869). ClinVar contains an entry for this variant (Variation ID: 1310482). Based on the evidence outlined above, the variant was classified as uncertain significance.

GeneDx
Classification: Uncertain significance. Last evaluated: 2020-02-19. Review status: criteria provided, single submitter. Criteria: GeneDx Variant Classification Process June 2021. Collection method: clinical testing. Allele origin: germline. Affected: yes.
Comment: In silico analysis supports that this missense variant does not alter protein structure/function; Identified in the heterozygous state with no additional STXBP2 variants in a patient with hemophagocytic lymphohistiocytosis in published literature (Xu et al., 2017); Observed with the p.K193Q variant in a patient with hemophagocytic lymphohistiocytosis in published literature, but it is not known whether the variants occurred on the same (in cis) or on different (in trans) chromosomes as parental segregation information was not included (Seo et al., 2016); This variant is associated with the following publications: (PMID: 27781387, 31865540, 26451869)

Literature cited by the submitters: PubMed 26451869 (cited by Labcorp Genetics (formerly Invitae), Labcorp and Women's Health and Genetics/Laboratory Corporation of America, LabCorp); PubMed 27781387 (cited by Labcorp Genetics (formerly Invitae), Labcorp and Women's Health and Genetics/Laboratory Corporation of America, LabCorp); PubMed 29665027 (cited by Labcorp Genetics (formerly Invitae), Labcorp); PubMed 30290665 (cited by Labcorp Genetics (formerly Invitae), Labcorp and Women's Health and Genetics/Laboratory Corporation of America, LabCorp); PubMed 32375849 (cited by Labcorp Genetics (formerly Invitae), Labcorp and Women's Health and Genetics/Laboratory Corporation of America, LabCorp).

NM_006949.4(STXBP2):c.184A>G (p.Asn62Asp)

Gene: STXBP2 (syntaxin binding protein 2; plus strand). Cytogenetic location: 19p13.2.
Variant type: single nucleotide variant.
Coding change: c.184A>G on transcript NM_006949.4 (MANE Select); coding-DNA position 184, A replaced by G.
Protein change: p.Asn62Asp; replaces asparagine 62 with aspartic acid.
Molecular consequence: missense variant. On other transcripts: non-coding transcript variant (1).
Genome position (GRCh38, 1-based): chr19:7,639,745, A>G. VCF-style: chr19-7639745-A-G. GRCh37 (hg19) VCF-style: chr19-7704631-A-G.
Other names: c.184A>G, p.Asn62Asp (NM_001127396.3, NM_001272034.2); short protein forms N62D.
Identifiers: ClinVar variation 1310482 (VCV001310482.5), dbSNP rs368283130, ClinGen allele CA9143162.